The following is an entry in ClinVar:

NM_021072.4(HCN1):c.1570A>G (p.Thr524Ala)

Gene: HCN1 (hyperpolarization activated cyclic nucleotide gated potassium channel 1; minus strand). Cytogenetic location: 5p12.
Variant type: single nucleotide variant.
Coding change: c.1570A>G on transcript NM_021072.4 (MANE Select); coding-DNA position 1570, A replaced by G.
Protein change: p.Thr524Ala; replaces threonine 524 with alanine.
Molecular consequence: missense variant.
Genome position (GRCh38, 1-based): chr5:45,303,647, T>C on the plus strand (A>G on the coding strand, the complement: HCN1 is on the minus strand). VCF-style: chr5-45303647-T-C. GRCh37 (hg19) VCF-style: chr5-45303749-T-C.
Other names: short protein forms T524A.
Identifiers: ClinVar variation 568189 (VCV000568189.9), dbSNP rs1561096281, ClinGen allele CA359702427.

ClinVar aggregate classification (germline): Uncertain significance (1 of 4 stars; one submission).

Conditions:
Early-infantile DEE. Also called: Ohtahara syndrome; Early infantile epileptic encephalopathy; Early infantile epileptic encephalopathy with suppression bursts. Identifiers: Orphanet 1934, MedGen C0393706, MONDO:0800491.

Allele frequency attached by ClinVar (database versions not stated): gnomAD exomes below 0.00001.
gnomAD v4.1: 3 of 1,613,510 alleles (0.00019%); highest among the groups gnomAD compares: South Asian, 0.0022%; no homozygotes.

Submission:

Labcorp Genetics (formerly Invitae), Labcorp
Classification: Uncertain significance for Early-infantile DEE. Last evaluated: 2018-03-27. Review status: criteria provided, single submitter. Criteria: Invitae Variant Classification Sherloc (09022015). Collection method: clinical testing. Allele origin: germline.
Comment: This sequence change replaces threonine with alanine at codon 524 of the HCN1 protein (p.Thr524Ala). The threonine residue is highly conserved and there is a small physicochemical difference between threonine and alanine. This variant is not present in population databases (ExAC no frequency). This variant has not been reported in the literature in individuals with HCN1-related disease. Algorithms developed to predict the effect of missense changes on protein structure and function (SIFT, PolyPhen-2, Align-GVGD) all suggest that this variant is likely to be disruptive, but these predictions have not been confirmed by published functional studies and their clinical significance is uncertain. In summary, the available evidence is currently insufficient to determine the role of this variant in disease. Therefore, it has been classified as a Variant of Uncertain Significance.